The following is an entry in ClinVar:

NM_000038.6(APC):c.3901dup (p.Thr1301fs)

Gene: APC (APC regulator of Wnt signaling pathway; plus strand). Cytogenetic location: 5q22.2.
Variant type: Duplication.
Coding change: c.3901dup on transcript NM_000038.6 (MANE Select); coding-DNA position 3901, one base duplicated (A; older notation c.3901dupA).
Protein change: p.Thr1301fs; shifts the reading frame from threonine 1301.
Molecular consequence: frameshift variant.
Genome position (GRCh38, 1-based): chr5:112,839,495, A duplicated. VCF-style (leftmost placement, unchanged base first): chr5-112839494-T-TA. GRCh37 (hg19) VCF-style: chr5-112175191-T-TA.
Other names: c.3901dupA (NM_000038.5, NM_000038.6); c.3901dup, p.Thr1301fs (NM_001127510.3, NM_001354895.2); c.3847dup, p.Thr1283fs (NM_001127511.3); c.3955dup, p.Thr1319fs (NM_001354896.2); c.3931dup, p.Thr1311fs (NM_001354897.2); c.3826dup, p.Thr1276fs (NM_001354898.2); c.3817dup, p.Thr1273fs (NM_001354899.2); c.3778dup, p.Thr1260fs (NM_001354900.2); and 6 more; short protein forms T1200fs, T1210fs, T1242fs, T1311fs, T1319fs, T1175fs, T1260fs, T1276fs.
Identifiers: ClinVar variation 433656 (VCV000433656.15), dbSNP rs1554085382, ClinGen allele CA445963830.
Genomic context (GRCh38, chr5:112,839,494, plus strand): 5'-GTCATCAGCTGAAGATGAAATAGGATGTAATCAGACGACACAGGAAGCAGATTCTGCTAA[T>TA]ACCCTGCAAATAGCAGAAATAAAAGAAAAGATTGGAACTAGGTCAGCTGAAGATCCTGTG-3'

ClinVar aggregate classification (germline): Pathogenic/Likely pathogenic. Review status: criteria provided, multiple submitters, no conflicts (2 of 4 stars). 8 submissions from 8 submitters: Pathogenic (4); Likely pathogenic (3). 1 of the submissions does not count toward it. Last evaluated 2024-09-19.

Conditions:
Carcinoma of colon (CRC). Also called: Colonic carcinoma; Colon carcinoma. Identifiers: MedGen C0699790, MONDO:0002032.
Familial adenomatous polyposis 1 (FAP1). Also called: FAMILIAL ADENOMATOUS POLYPOSIS 1, ATTENUATED; POLYPOSIS, ADENOMATOUS INTESTINAL. Identifiers: MedGen C2713442, MONDO:0021056, OMIM 175100. Disease mechanism: loss of function.
Gastric adenocarcinoma and proximal polyposis of the stomach (GAPPS). Also called: POLYPOSIS, GASTRIC; Gastric Adenocarcinoma and Proximal Polyposis of the Stomach (GAPPS); Polyposis, gastric, Dos Santos and de Magalhaes 1980. Identifiers: Orphanet 314022, MedGen C4749917, MONDO:0017790, OMIM 619182.
Desmoid disease, hereditary (DESMD). Also called: FIBROMATOSIS, FAMILIAL INFILTRATIVE. Identifiers: Orphanet 873, MedGen C1851124, OMIM 135290. Disease mechanism: loss of function.
Hepatocellular carcinoma (HCC). Also called: Primary carcinoma of liver; HEPATOMA; LIVER CELL CARCINOMA. Identifiers: Orphanet 88673, MedGen C2239176, MONDO:0007256, OMIM 114550, HP:0001402.
Gastric cancer. Also called: Malignant tumor of stomach; Stomach cancer. Identifiers: MedGen C0024623, MeSH D013274, MONDO:0001056, OMIM 613659, HP:0012126.
Colorectal cancer. Also called: Malignant Colorectal Neoplasm; Colorectal cancer, somatic. Identifiers: MedGen C0346629, MONDO:0005575, OMIM 114500.
Hereditary cancer-predisposing syndrome. Also called: Neoplastic Syndromes, Hereditary; Hereditary Cancer Syndrome; Hereditary neoplastic syndrome; Tumor predisposition. Identifiers: Orphanet 140162, MedGen C0027672, MeSH D009386, MONDO:0015356.
Familial multiple polyposis syndrome (FAP). Also called: Familial intestinal polyposis; Familial polyposis; Familial Adenomatous Polyposis (FAP); Familial adenomatous polyposis; Classic familial adenomatous polyposis. Identifiers: Orphanet 733, MedGen C0032580, MONDO:0021055. Disease mechanism: loss of function.

Submissions (8):

Women's Health and Genetics/Laboratory Corporation of America, LabCorp
Classification: Pathogenic for Familial multiple polyposis syndrome. Last evaluated: 2024-09-19. Review status: criteria provided, single submitter. Criteria: LabCorp Variant Classification Summary - May 2015. Collection method: clinical testing. Allele origin: germline.
Comment: Variant summary: APC c.3901dupA (p.Thr1301AsnfsX14) results in a premature termination codon, predicted to cause a truncation of the encoded protein, and at-least one downtream frameshifting variant has been evaluated PATH (c.4393_4394dupAG p.Ser1465ArgfsX9). The variant was absent in 250960 control chromosomes. c.3901dupA has been reported in the literature in at least one individual affected with Familial Adenomatous Polyposis (Gismondi_1997). These report(s) do not provide unequivocal conclusions about association of the variant with Familial Adenomatous Polyposis. To our knowledge, no experimental evidence demonstrating an impact on protein function has been reported. The following publications have been ascertained in the context of this evaluation (PMID: 22864938, 9101302). ClinVar contains an entry for this variant (Variation ID: 433656). Based on the evidence outlined above, the variant was classified as pathogenic.

Genetic Services Laboratory, University of Chicago
Classification: Likely pathogenic. Last evaluated: 2024-09-09. Review status: criteria provided, single submitter. Criteria: ACMG Guidelines, 2015. Collection method: clinical testing. Allele origin: germline. Affected: yes.
Comment: DNA sequence analysis of the APC gene demonstrated a single base pair duplication in exon 16, c.3901dup. This sequence change results in an amino acid frameshift and creates a premature stop codon 13 amino acids downstream of the change, p.Thr1301Asnfs*14. This sequence change is predicted to result in an abnormal transcript, which may be degraded, or may lead to the production of a truncated APC protein with potentially abnormal function. p.Thr1301Asnfs*14. This duplication has been previously described in an individual with with familial adenomatous polyposis (PMID: 9101302). Loss of function variants in APC are known to be pathogenic (PMID: 17963004, 20685668). The c.3901dup sequence change has not been described in population databases such as ExAC and gnomAD. These collective evidences indicate that this variant is likely pathogenic, however functional studies have not been performed to prove this conclusively.

Ambry Genetics
Classification: Likely pathogenic for Hereditary cancer-predisposing syndrome. Last evaluated: 2024-09-06. Review status: criteria provided, single submitter. Criteria: Ambry Variant Classification Scheme 2023. Collection method: clinical testing. Allele origin: germline.
Comment: The c.3901dupA variant, located in coding exon 15 of the APC gene, results from a duplication of A at nucleotide position 3901, causing a translational frameshift with a predicted alternate stop codon (p.T1301Nfs*14). This alteration occurs at the 3' terminus of the APC gene, is not expected to trigger nonsense-mediated mRNA decay, and only impacts the last 54% of the protein. However, premature stop codons are typically deleterious in nature. This variant has been reported in a familial adenomatous polyposis cohort Gismondi V et al. Hum Mutat, 1997;9:370-3). This variant is considered to be rare based on population cohorts in the Genome Aggregation Database (gnomAD). Based on the majority of available evidence to date, this variant is likely to be pathogenic.

GeneDx
Classification: Pathogenic. Last evaluated: 2024-08-23. Review status: criteria provided, single submitter. Criteria: GeneDx Variant Classification Process June 2021. Collection method: clinical testing. Allele origin: germline. Affected: yes.
Comment: Frameshift variant predicted to result in protein truncation or nonsense mediated decay in a gene for which loss-of-function is a known mechanism of disease; Not observed at significant frequency in large population cohorts (gnomAD); This variant is associated with the following publications: (PMID: 9101302, 23085758, 23159591, 22864938)

Myriad Genetics, Inc.
Classification: Pathogenic for Familial adenomatous polyposis 1. Last evaluated: 2023-05-09. Review status: criteria provided, single submitter. Criteria: Myriad Autosomal Dominant, Autosomal Recessive and X-Linked Classification Criteria (2023). Collection method: clinical testing. Allele origin: unknown.
Comment: This variant is considered pathogenic. This variant creates a frameshift predicted to result in premature protein truncation.

Sema4
Classification: Likely pathogenic for Hereditary cancer-predisposing syndrome. Last evaluated: 2022-03-09. Review status: criteria provided, single submitter. Criteria: Sema4 Curation Guidelines. Collection method: curation. Allele origin: germline.
Comment: The APC c.3901dupA (p.T1301NfsX14) variant, also known as c.3901insA, has been reported in at least one individual with familial adenomatous polyposis (PMID: 9101302). This variant causes a frameshift at amino acid 1301 that results in premature termination 14 amino acids downstream. As this variant is not predicted to cause nonsense-mediated decay, the protein is predicted to loss of normal function through truncation. Loss of function variants in APC are known to be pathogenic (PMID: 17963004, 20685668). This variant is not reported in the population database Genome Aggregation Database (PMID: 32461654) but has been reported in ClinVar (Variation ID: 433656). Based on the current evidence available, this variant is interpreted as likely pathogenic.

Fulgent Genetics
Classification: Pathogenic for Colorectal cancer; Hepatocellular carcinoma; Desmoid disease, hereditary; Familial adenomatous polyposis 1; Gastric cancer; Gastric adenocarcinoma and proximal polyposis of the stomach. Last evaluated: 2022-03-08. Review status: criteria provided, single submitter. Criteria: ACMG Guidelines, 2015. Collection method: clinical testing. Allele origin: unknown.

Department of Pathology and Laboratory Medicine, Sinai Health System
Classification: Pathogenic for Carcinoma of colon. Review status: no assertion criteria provided. Collection method: clinical testing. Allele origin: unknown. Affected: yes. Study: The Canadian Open Genetics Repository (COGR). Not counted in ClinVar's aggregate classification.
Comment: The APC p.Thr1301AsnfsX14 variant was identified in the literature as a somatic mutation in the tumour of a patient with sporadic colorectal cancer (Christie 2013). The variant was also identified in the HGMD, UMD (1X), the InSiGHT Colon Cancer database and the COSMIC database (2X). The p.Thr1301AsnfsX14 duplication variant is predicted to cause a frameshift, which alters the protein's amino acid sequence beginning at codon 1301 and leads to a premature stop codon 14 codons downstream. This alteration is then predicted to result in a truncated or absent protein and loss of function. Loss of function variants of the APC gene are an established mechanism of disease in familial adenomatous polyposis and is the type of variant expected to cause the disorder. This variant occurs in the last exon of the gene and stop codon or nonsense mutations in this region may not be subjected to nonsense mediated RNA decay, although further study would be required to validate this hypothesis and it is currently not possible to determine whether or not this might influence the severity of the disorder. In summary, based on the above information, this variant meets our laboratoryâ€šÃ„Ã´s criteria to be classified as pathogenic.

Literature cited by the submitters: PubMed 22864938 (cited by Women's Health and Genetics/Laboratory Corporation of America, LabCorp); PubMed 9101302 (cited by 3 submitters); PubMed 17963004 (cited by Sema4); PubMed 20685668 (cited by Sema4).